The following is an entry in ClinVar:

NM_002458.3(MUC5B):c.15817G>C (p.Ala5273Pro)

Gene: MUC5B (mucin 5B, oligomeric mucus/gel-forming; plus strand). Cytogenetic location: 11p15.5.
Variant type: single nucleotide variant.
Coding change: c.15817G>C on transcript NM_002458.3 (MANE Select); coding-DNA position 15817, G replaced by C.
Protein change: p.Ala5273Pro; replaces alanine 5273 with proline.
Molecular consequence: missense variant.
Genome position (GRCh38, 1-based): chr11:1,255,193, G>C. VCF-style: chr11-1255193-G-C. GRCh37 (hg19) VCF-style: chr11-1276423-G-C.
Other names: short protein forms A5273P.
Identifiers: ClinVar variation 164005 (VCV000164005.9), dbSNP rs56123928, ClinGen allele CA176771.

ClinVar aggregate classification (germline): Benign. Review status: criteria provided, multiple submitters, no conflicts (2 of 4 stars). 3 submissions from 3 submitters: Benign (3). Last evaluated 2014-05-22.

Allele frequency attached by ClinVar (database versions not stated): 1000 Genomes Project 30x 0.01546; ExAC 0.01849; TOPMed 0.02150; gnomAD 0.03357.

Submissions (3):

Eurofins Ntd Llc (ga)
Classification: Benign. Last evaluated: 2014-05-22. Review status: criteria provided, single submitter. Criteria: EGL Classification Definitions 2015. Collection method: clinical testing. Allele origin: germline. Observed: 1 variant allele, 1 heterozygote.

Laboratory for Molecular Medicine, Mass General Brigham Personalized Medicine
Classification: Benign. Last evaluated: 2013-02-21. Review status: criteria provided, single submitter. Criteria: LMM Criteria. Collection method: clinical testing. Allele origin: germline. Observed: 7 variant alleles.
Comment: Ala5273Pro in exon 36 of MUC5B: This variant is not expected to have clinical si gnificance because it has been identified in 8.1% (15/186) of Finnish chromosome s from a broad population by the 1000 Genomes Project (ov/projects/SNP; dbSNP rs56123928).

Breakthrough Genomics
Classification: Benign. Review status: criteria provided, single submitter. Criteria: ACMG Guidelines, 2015. Collection method: not provided. Allele origin: germline. Inheritance: Autosomal dominant inheritance. Affected: yes.